The following is an entry in ClinVar:

NM_001374828.1(ARID1B):c.357C>T (p.Ser119=)

Genes: ARID1B (AT-rich interaction domain 1B; plus strand), LOC115308161 (uncharacterized LOC115308161; minus strand). Cytogenetic location: 6q25.3.
Variant type: single nucleotide variant.
Coding change: c.357C>T on transcript NM_001374828.1 (MANE Select); coding-DNA position 357, C replaced by T.
Protein change: p.Ser119=; no amino-acid change (serine 119 retained).
Molecular consequence: synonymous variant.
Genome position (GRCh38, 1-based): chr6:156,778,037, C>T. VCF-style: chr6-156778037-C-T. GRCh37 (hg19) VCF-style: chr6-157099171-C-T.
Other names: c.357C>T, p.Ser119= (NM_001371656.1, NM_001374820.1, NM_017519.3).
Identifiers: ClinVar variation 3771389 (VCV003771389.13).
Genomic context (GRCh38, chr6:156,778,037, plus strand): 5'-CAAGAGCGGCGGCTCCGAGGCGGCTCTCAAGGAGGGTGGAAGCGCCGCCGCGCTGTCCTC[C>T]TCCTCCTCCTCCTCCGCGGCGGCAGCGGCGGCATCCTCTTCCTCCTCGTCGGGCCCGGGC-3'
Protein context (NP_001361757.1, residues 109-129): KEGGSAAALS[Ser119=]SSSSSAAAAA

ClinVar aggregate classification (germline): Likely benign (1 of 4 stars; one submission).

gnomAD v4.1: 2 of 1,531,850 alleles (0.00013%); highest among the groups gnomAD compares: African/African-American, 0.0014%; no homozygotes.

Submission:

CeGaT Center for Human Genetics Tuebingen
Classification: Likely benign. Last evaluated: 2025-01-01. Review status: criteria provided, single submitter. Criteria: CeGaT Center For Human Genetics Tuebingen Variant Classification Criteria Version 2. Collection method: clinical testing. Allele origin: germline. Affected: yes. Observed: 1 variant allele.
Comment: ARID1B: BP4, BP7